The following is an entry in ClinVar:

NM_000718.4(CACNA1B):c.63C>T (p.Ala21=)

Genes: CACNA1B (calcium voltage-gated channel subunit alpha1 B; plus strand), CACNA1B-AS2 (CACNA1B antisense RNA 2; minus strand). Cytogenetic location: 9q34.3.
Variant type: single nucleotide variant.
Coding change: c.63C>T on transcript NM_000718.4 (MANE Select); coding-DNA position 63, C replaced by T.
Protein change: p.Ala21=; no amino-acid change (alanine 21 retained).
Molecular consequence: synonymous variant.
Genome position (GRCh38, 1-based): chr9:137,877,996, C>T. VCF-style: chr9-137877996-C-T. GRCh37 (hg19) VCF-style: chr9-140772448-C-T.
Other names: c.63C>T, p.Ala21= (NM_001243812.2); c.63C>T (NM_000718.3).
Identifiers: ClinVar variation 1335750 (VCV001335750.37), dbSNP rs748315878, ClinGen allele CA5375608.

ClinVar aggregate classification (germline): Likely benign. Review status: criteria provided, multiple submitters, no conflicts (2 of 4 stars). 3 submissions from 3 submitters: Likely benign (2). 1 of the submissions does not count toward it. Last evaluated 2024-10-04.

Conditions:
CACNA1B-related disorder. Also called: CACNA1B-related condition.

Allele frequency attached by ClinVar (database versions not stated): gnomAD 0.00002 and 0.00030; TOPMed 0.00004; 1000 Genomes Project 30x 0.00141.

Submissions (3):

Blueprint Genetics
Classification: Likely benign. Last evaluated: 2024-10-04. Review status: criteria provided, single submitter. Criteria: ACMG Guidelines, 2015. Collection method: clinical testing. Allele origin: germline.

CeGaT Center for Human Genetics Tuebingen
Classification: Likely benign. Last evaluated: 2024-07-01. Review status: criteria provided, single submitter. Criteria: CeGaT Center For Human Genetics Tuebingen Variant Classification Criteria Version 2. Collection method: clinical testing. Allele origin: germline. Affected: yes. Observed: 2 variant alleles.
Comment: CACNA1B: BP4, BP7

PreventionGenetics, part of Exact Sciences
Classification: Likely benign for CACNA1B-related condition. Last evaluated: 2023-01-12. Review status: no assertion criteria provided. Collection method: clinical testing. Allele origin: germline. Not counted in ClinVar's aggregate classification.
Comment: This variant is classified as likely benign based on ACMG/AMP sequence variant interpretation guidelines (Richards et al. 2015 PMID: 25741868, with internal and published modifications).